The following is an entry in ClinVar:

NM_032108.4(SEMA6B):c.1991del (p.Gly664fs)

Gene: SEMA6B (semaphorin 6B; minus strand). Cytogenetic location: 19p13.3.
Variant type: Deletion.
Coding change: c.1991del on transcript NM_032108.4 (MANE Select); coding-DNA position 1991, one base deleted (G; older notation c.1991delG).
Protein change: p.Gly664fs; shifts the reading frame from glycine 664.
Molecular consequence: frameshift variant.
Genome position (GRCh38, 1-based): chr19:4,544,277, C deleted on the plus strand (G on the coding strand, the reverse complement: SEMA6B is on the minus strand); the first of 5 consecutive C bases (chr19:4,544,277-4,544,281); deleting any one gives the same sequence. VCF-style (leftmost placement, unchanged base first): chr19-4544276-GC-G. GRCh37 (hg19) VCF-style: chr19-4544288-GC-G.
Other names: p.Gly664AlafsX21; c.1991delG (NM_032108.3); short protein forms G664fs.
Identifiers: ClinVar variation 872934 (VCV000872934.16), dbSNP rs1443687532, ClinGen allele CA631716616.

ClinVar aggregate classification (germline): Pathogenic/Likely pathogenic. Review status: criteria provided, multiple submitters, no conflicts (2 of 4 stars). 4 submissions from 4 submitters: Pathogenic (2); Likely pathogenic (1). 1 of the submissions does not count toward it. Last evaluated 2023-12-14.

Conditions:
Epilepsy, progressive myoclonic, 11. Identifiers: MedGen C5394362, MONDO:0030034, OMIM 618876.

Submissions (4):

Institute of Human Genetics, University of Leipzig Medical Center
Classification: Pathogenic for Epilepsy, progressive myoclonic, 11. Last evaluated: 2023-12-14. Review status: criteria provided, single submitter. Criteria: ACMG Guidelines, 2015. Collection method: clinical testing. Allele origin: unknown. Inheritance: Autosomal dominant inheritance. Affected: yes.
Comment: Criteria applied: PVS1_STR,PS2,PS4_SUP,PM2_SUP

Illumina Laboratory Services, Illumina
Classification: Pathogenic. Last evaluated: 2022-09-22. Review status: criteria provided, single submitter. Criteria: ICSL CNVClassificationCriteria Aug2020. Collection method: clinical testing. Allele origin: unknown. Affected: yes.
Comment: The SEMA6B c.1991del (p.Gly664AlafsTer21) variant results in the deletion of a nucleotide at position c.1991, causing a shift in the protein reading frame. This variant occurs in the last exon of the gene and may escape nonsense-mediated mRNA decay and could result in a truncated protein lacking the important intracellular domain (ICD). The c.1991del variant has been reported in a de novo heterozygous state in three unrelated individuals with epilepsy, developmental delay and regression, intellectual disability, ataxia, and tremor (PMID: 32169168; PMID: 35604360). This variant is not found in version 2.1.1 or version 3.1.2 of the Genome Aggregation Database. Based on the available evidence, the c.1991del (p.Gly664AlafsTer21) variant is classified as pathogenic for SEMA6B-related progressive myoclonic epilepsy.

Tgen's Center for Rare Childhood Disorders, Translational Genomics Research Institute (tgen)
Classification: Likely pathogenic for Epilepsy, progressive myoclonic, 11. Last evaluated: 2022-01-20. Review status: criteria provided, single submitter. Criteria: ACMG Guidelines, 2015. Collection method: research. Allele origin: de novo. Inheritance: Autosomal dominant inheritance. Affected: yes. Observed: 1 heterozygote.
Comment: The variant causes a frameshift changing a Glycine into an Alanine at amino acid 664. This causes a premature stop codon at position 21 of the reading frame (p.Gly664AlafsX21). The variant is not found in gnomAD genomes. We classify this variant as likely pathogenic based on the ACMG recommendations (Richards et al., 2015, PMID 25741868; criteria: PVS1, PM2).

OMIM
Classification: Pathogenic for EPILEPSY, PROGRESSIVE MYOCLONIC, 11. Last evaluated: 2020-05-12. Review status: no assertion criteria provided. Collection method: literature only. Allele origin: germline. Not counted in ClinVar's aggregate classification.

Literature cited by the submitters: PubMed 35604360 (cited by Illumina Laboratory Services, Illumina); PubMed 32169168 (cited by Illumina Laboratory Services, Illumina and OMIM).